The following is an entry in ClinVar:

ClinVar aggregate classification (germline): Uncertain significance. Review status: criteria provided, multiple submitters, no conflicts (2 of 4 stars). 2 submissions from 2 submitters: Uncertain significance (2). Last evaluated 2022-09-01.

Conditions:
Basal ganglia calcification, idiopathic, 7, autosomal recessive. Also called: PRIMARY FAMILIAL BRAIN CALCIFICATION 7, AUTOSOMAL RECESSIVE. Identifiers: MedGen C5193025, MONDO:0032673, OMIM 618317.

Allele frequency attached by ClinVar (database versions not stated): ExAC 0.00001; gnomAD exomes below 0.00001.
gnomAD v4.1: 6 of 1,613,466 alleles (0.00037%); highest among the groups gnomAD compares: Non-Finnish European, 0.000085%; no homozygotes.

Submissions (2):

3billion
Classification: Uncertain significance for Basal ganglia calcification, idiopathic, 7, autosomal recessive. Last evaluated: 2022-09-01. Review status: criteria provided, single submitter. Criteria: ACMG Guidelines, 2015. Collection method: clinical testing. Allele origin: germline. Affected: yes. Observed: 1 heterozygote.
Comment: The variant is observed at an extremely low frequency in the gnomAD v2.1.1 dataset (total allele frequency: <0.001%). Missense. In silico tool predictions suggest damaging effect of the variant on gene or gene product (REVEL: 0.96; 3Cnet: 0.94). However, the evidence of pathogenicity is insufficient at this time. Therefore, this variant is classified as uncertain significance according to the recommendation of ACMG/AMP guideline.

Labcorp Genetics (formerly Invitae), Labcorp
Classification: Uncertain significance. Last evaluated: 2021-07-17. Review status: criteria provided, single submitter. Criteria: Invitae Variant Classification Sherloc (09022015). Collection method: clinical testing. Allele origin: germline.
Comment: In summary, the available evidence is currently insufficient to determine the role of this variant in disease. Therefore, it has been classified as a Variant of Uncertain Significance. Algorithms developed to predict the effect of missense changes on protein structure and function are either unavailable or do not agree on the potential impact of this missense change (SIFT: "Deleterious"; PolyPhen-2: "Not Available"; Align-GVGD: "Class C65"). This variant has not been reported in the literature in individuals with KIAA1161-related conditions. The frequency data for this variant in the population databases is considered unreliable, as metrics indicate poor data quality at this position in the ExAC database. This sequence change replaces proline with leucine at codon 664 of the KIAA1161 protein (p.Pro664Leu). The proline residue is highly conserved and there is a moderate physicochemical difference between proline and leucine.

NM_020702.5(MYORG):c.1991C>T (p.Pro664Leu)

Gene: MYORG (myogenesis regulating glycosidase; minus strand). Cytogenetic location: 9p13.3.
Variant type: single nucleotide variant.
Coding change: c.1991C>T on transcript NM_020702.5 (MANE Select); coding-DNA position 1991, C replaced by T.
Protein change: p.Pro664Leu; replaces proline 664 with leucine.
Molecular consequence: missense variant.
Genome position (GRCh38, 1-based): chr9:34,370,953, G>A on the plus strand (C>T on the coding strand, the complement: MYORG is on the minus strand). VCF-style: chr9-34370953-G-A. GRCh37 (hg19) VCF-style: chr9-34370951-G-A.
Other names: short protein forms P664L.
Identifiers: ClinVar variation 1681282 (VCV001681282.9), dbSNP rs771434563, ClinGen allele CA5032791.
Genomic context (GRCh38, chr9:34,370,953, plus strand): 5'-CTGCGCCACTTGCCGGCGGGCAAATAGACGTCGCGCTCCTGCTTGCCTGGCTCCAGCACC[G>A]GGGCCACAAGCAGCGTGTCCCCAATAAGGAACTGCGAGTCGATACGGTGAGCTGTCTCGT-3'
Protein context (NP_065753.2, residues 654-674): FLIGDTLLVA[Pro664Leu]VLEPGKQERD